The following is an entry in ClinVar:

ClinVar aggregate classification (germline): Likely benign (1 of 4 stars; one submission).

gnomAD v4.1: 106 of 1,609,704 alleles (0.0066%); highest among the groups gnomAD compares: Non-Finnish European, 0.0088%; no homozygotes.

Submission:

CeGaT Center for Human Genetics Tuebingen
Classification: Likely benign. Last evaluated: 2024-10-01. Review status: criteria provided, single submitter. Criteria: CeGaT Center For Human Genetics Tuebingen Variant Classification Criteria Version 2. Collection method: clinical testing. Allele origin: germline. Affected: yes. Observed: 1 variant allele.
Comment: GEMIN5: BP4, BP7

NM_015465.5(GEMIN5):c.987A>G (p.Glu329=)

Gene: GEMIN5 (gem nuclear organelle associated protein 5; minus strand). Cytogenetic location: 5q33.2.
Variant type: single nucleotide variant.
Coding change: c.987A>G on transcript NM_015465.5 (MANE Select); coding-DNA position 987, A replaced by G.
Protein change: p.Glu329=; no amino-acid change (glutamic acid 329 retained).
Molecular consequence: synonymous variant.
Genome position (GRCh38, 1-based): chr5:154,927,478, T>C on the plus strand (A>G on the coding strand, the complement: GEMIN5 is on the minus strand). VCF-style: chr5-154927478-T-C. GRCh37 (hg19) VCF-style: chr5-154307038-T-C.
Other names: c.984A>G, p.Glu328= (NM_001252156.2).
Identifiers: ClinVar variation 3388408 (VCV003388408.14).
Genomic context (GRCh38, chr5:154,927,478, plus strand): 5'-TTTGTCATCCTCTGTTTGTAAAGGACATAAATTAAACACAATTCTTGAATGATTTTGCCC[T>C]TCTGATGAGGCACTGAAGAGGGTGTATTTCCGTCTCCAAGATTGAGTGAGATCCCATTGC-3'
Protein context (NP_056280.2, residues 319-339): RKYTLFSASS[Glu329=]GQNHSRIVFN